The following is an entry in ClinVar:

ClinVar aggregate classification (germline): Uncertain significance (1 of 4 stars; one submission).

Conditions:
Inborn genetic diseases. Identifiers: MedGen C0950123, MeSH D030342.

Submission:

Ambry Genetics
Classification: Uncertain significance for Inborn genetic diseases. Last evaluated: 2025-01-06. Review status: criteria provided, single submitter. Criteria: Ambry Variant Classification Scheme 2023. Collection method: clinical testing. Allele origin: germline.
Comment: The p.A760S variant (also known as c.2278G>T), located in coding exon 25 of the FANCA gene, results from a G to T substitution at nucleotide position 2278. The alanine at codon 760 is replaced by serine, an amino acid with similar properties. This amino acid position is conserved. In addition, this alteration is predicted to be tolerated by in silico analysis. Based on the available evidence, the clinical significance of this variant remains unclear.

NM_000135.4(FANCA):c.2278G>T (p.Ala760Ser)

Gene: FANCA (FA complementation group A; minus strand). Cytogenetic location: 16q24.3.
Variant type: single nucleotide variant.
Coding change: c.2278G>T on transcript NM_000135.4 (MANE Select); coding-DNA position 2278, G replaced by T.
Protein change: p.Ala760Ser; replaces alanine 760 with serine.
Molecular consequence: missense variant.
Genome position (GRCh38, 1-based): chr16:89,770,204, C>A on the plus strand (G>T on the coding strand, the complement: FANCA is on the minus strand). VCF-style: chr16-89770204-C-A. GRCh37 (hg19) VCF-style: chr16-89836612-C-A.
Other names: c.2278G>T, p.Ala760Ser (NM_001286167.3); short protein forms A760S.
Identifiers: ClinVar variation 3848088 (VCV003848088.1).
Genomic context (GRCh38, chr16:89,770,204, plus strand): 5'-CCCCCATGAAGGAGAGCCTCACCTGGTGACGGAGCAGCTGGCAGAGCCGGGTGAGCACTG[C>A]AGGGAGCACACGTCCACACATGGTCCTCACGAAGAGGGCAGCCCAGGGACCCTGCCTGCA-3'
Protein context (NP_000126.2, residues 750-770): VRTMCGRVLP[Ala760Ser]VLTRLCQLLR